The following is an entry in ClinVar:

ClinVar aggregate classification (germline): Uncertain significance (1 of 4 stars; one submission).

Submission:

Labcorp Genetics (formerly Invitae), Labcorp
Classification: Uncertain significance. Last evaluated: 2022-07-18. Review status: criteria provided, single submitter. Criteria: Invitae Variant Classification Sherloc (09022015). Collection method: clinical testing. Allele origin: germline.
Comment: In summary, the available evidence is currently insufficient to determine the role of this variant in disease. Therefore, it has been classified as a Variant of Uncertain Significance. Experimental studies and prediction algorithms are not available or were not evaluated, and the functional significance of this variant is currently unknown. This variant has not been reported in the literature in individuals affected with SHANK1-related conditions. The frequency data for this variant in the population databases is considered unreliable, as metrics indicate insufficient coverage at this position in the gnomAD database. This variant, c.3007_3021dup, results in the insertion of 5 amino acid(s) of the SHANK1 protein (p.His1003_His1007dup), but otherwise preserves the integrity of the reading frame.

NM_016148.5(SHANK1):c.3004CAC[11] (p.His1007_Ala1008insHisHisHisHisHis)

Gene: SHANK1 (SH3 and multiple ankyrin repeat domains 1; minus strand). Cytogenetic location: 19q13.33.
Variant type: Microsatellite.
Coding change: c.3004CAC[11] on transcript NM_016148.5 (MANE Select); 11 copies in a row of the 3-base unit CAC starting at c.3004; the reference has six copies in a row; five copies, 15 bases duplicated.
Protein change: p.His1007_Ala1008insHisHisHisHisHis.
Molecular consequence: inframe insertion.
Genome position (GRCh38, 1-based): chr19:50,668,939-50,668,953, GTGGTGGTGGTGGTG duplicated on the plus strand (CACCACCACCACCAC on the coding strand, the reverse complement: SHANK1 is on the minus strand); duplicating any 15 consecutive bases within chr19:50,668,939-50,668,957 gives the same sequence; the position shown is the placement nearest the transcript's 3' end. VCF-style (leftmost placement, unchanged base first): chr19-50668938-C-CGTGGTGGTGGTGGTG. GRCh37 (hg19) VCF-style: chr19-51172195-C-CGTGGTGGTGGTGGTG.
Identifiers: ClinVar variation 2166195 (VCV002166195.4), dbSNP rs757087714, ClinGen allele CA2580614959.